The following is an entry in ClinVar:

ClinVar aggregate classification (germline): Uncertain significance (1 of 4 stars; one submission).

Conditions:
Bethlem myopathy 1A. Also called: MYOPATHY, BENIGN CONGENITAL, WITH CONTRACTURES; Bethlem myopathy 1; Bethlem Muscular Dystrophy. Identifiers: Orphanet 610, MedGen CN029274, MONDO:0024530, OMIM 158810.

gnomAD v4.1: 2 of 1,614,248 alleles (0.00012%); highest among the groups gnomAD compares: Non-Finnish European, 0.00017%; no homozygotes.

Submission:

Labcorp Genetics (formerly Invitae), Labcorp
Classification: Uncertain significance for Bethlem myopathy 1A. Last evaluated: 2025-10-07. Review status: criteria provided, single submitter. Criteria: Invitae Variant Classification Sherloc (09022015). Collection method: clinical testing. Allele origin: germline.
Comment: This sequence change replaces lysine, which is basic and polar, with glutamic acid, which is acidic and polar, at codon 1833 of the COL6A3 protein (p.Lys1833Glu). This variant is not present in population databases (gnomAD no frequency). This variant has not been reported in the literature in individuals affected with COL6A3-related conditions. Invitae Evidence Modeling of protein sequence and biophysical properties (such as structural, functional, and spatial information, amino acid conservation, physicochemical variation, residue mobility, and thermodynamic stability) indicates that this missense variant is not expected to disrupt COL6A3 protein function with a negative predictive value of 80%. In summary, the available evidence is currently insufficient to determine the role of this variant in disease. Therefore, it has been classified as a Variant of Uncertain Significance.

NM_004369.4(COL6A3):c.5497A>G (p.Lys1833Glu)

Gene: COL6A3 (collagen type VI alpha 3 chain; minus strand). Cytogenetic location: 2q37.3.
Variant type: single nucleotide variant.
Coding change: c.5497A>G on transcript NM_004369.4 (MANE Select); coding-DNA position 5497, A replaced by G.
Protein change: p.Lys1833Glu; replaces lysine 1833 with glutamic acid.
Molecular consequence: missense variant.
Genome position (GRCh38, 1-based): chr2:237,366,690, T>C on the plus strand (A>G on the coding strand, the complement: COL6A3 is on the minus strand). VCF-style: chr2-237366690-T-C. GRCh37 (hg19) VCF-style: chr2-238275333-T-C.
Other names: c.3676A>G, p.Lys1226Glu (NM_057166.5); c.4879A>G, p.Lys1627Glu (NM_057167.4); short protein forms K1627E, K1833E, K1226E.
Identifiers: ClinVar variation 4740338 (VCV004740338.1).
Genomic context (GRCh38, chr2:237,366,690, plus strand): 5'-AAAGAGGCACAAATGTCAACAGGAAAGGATGGAAAATATGCACATAATGGGAGTTACCTT[T>C]GGCAGCATCAGTTACACCAGGGCAAAGGGTTTCATGCATCGCATCATGCAAAGTTTCCAA-3'
Protein context (NP_004360.2, residues 1823-1843): TLCPGVTDAA[Lys1833Glu]ACNLDVILGF